The following is an entry in ClinVar:

NM_022489.4(INF2):c.3041-4C>T

Gene: INF2 (inverted formin 2; plus strand). Cytogenetic location: 14q32.33.
Variant type: single nucleotide variant.
Coding change: c.3041-4C>T on transcript NM_022489.4 (MANE Select); 4 bases into the intron before coding-DNA position 3041, C replaced by T.
Molecular consequence: intron variant.
Genome position (GRCh38, 1-based): chr14:104,714,199, C>T. VCF-style: chr14-104714199-C-T. GRCh37 (hg19) VCF-style: chr14-105180536-C-T.
Other names: c.3041-4C>T (NM_001031714.4).
Identifiers: ClinVar variation 540067 (VCV000540067.12), dbSNP rs945997134, ClinGen allele CA267330505.

ClinVar aggregate classification (germline): Conflicting classifications of pathogenicity. Review status: criteria provided, conflicting classifications (1 of 4 stars). 2 submissions from 2 submitters: Uncertain significance (1); Likely benign (1). Last evaluated 2024-06-05.

Conditions:
Focal segmental glomerulosclerosis 5 (FSGS5). Identifiers: Orphanet 656, MedGen C2750475, MONDO:0013191, OMIM 613237.
Charcot-Marie-Tooth disease dominant intermediate E. Also called: CHARCOT-MARIE-TOOTH NEUROPATHY WITH FOCAL SEGMENTAL GLOMERULONEPHRITIS. Identifiers: Orphanet 93114, MedGen C4302667, MONDO:0013758, OMIM 614455.
Inborn genetic diseases. Identifiers: MedGen C0950123, MeSH D030342.

Allele frequency attached by ClinVar (database versions not stated): gnomAD 0.00001; gnomAD exomes 0.00001 and 0.00002; TOPMed 0.00001.
gnomAD v4.1: 18 of 1,514,200 alleles (0.0012%); highest among the groups gnomAD compares: Non-Finnish European, 0.0015%; no homozygotes.

Submissions (2):

Labcorp Genetics (formerly Invitae), Labcorp
Classification: Likely benign for Charcot-Marie-Tooth disease dominant intermediate E; Focal segmental glomerulosclerosis 5. Last evaluated: 2024-06-05. Review status: criteria provided, single submitter. Criteria: Invitae Variant Classification Sherloc (09022015). Collection method: clinical testing. Allele origin: germline.

Ambry Genetics
Classification: Uncertain significance for Inborn genetic diseases. Last evaluated: 2020-03-04. Review status: criteria provided, single submitter. Criteria: Ambry Variant Classification Scheme 2023. Collection method: clinical testing. Allele origin: germline.
Comment: The c.3041-4C>T intronic variant results from a C to T substitution 4 nucleotides upstream from coding exon 20 in the INF2 gene. This nucleotide position is well conserved in available vertebrate species. Using the BDGP and ESEfinder splice site prediction tools, this alteration is not predicted to have any significant effect on this splice acceptor site; however, direct evidence is unavailable. Since supporting evidence is limited at this time, the clinical significance of this alteration remains unclear.